The following is an entry in ClinVar:

ClinVar aggregate classification (germline): Likely pathogenic (1 of 4 stars; one submission).

Submissions (3):

GeneDx
Classification: Likely pathogenic. Last evaluated: 2025-08-27. Review status: criteria provided, single submitter. Criteria: GeneDx Variant Classification Process June 2021. Collection method: clinical testing. Allele origin: germline. Affected: yes.
Comment: Identified in an individual from a cohort of suspected Cornelia de Lange syndrome patients who also harbored a frameshift variant in the ANKRD11 gene (PMID: 31911672); Published functional studies demonstrate a damaging effect (RNA sequencing of patient-derived B-lymphoblastoid cell samples detected aberrant splicing resulting in exon 17 skipping) (PMID: 31911672); Not observed at significant frequency in large population cohorts (gnomAD); In silico analysis suggests that this variant does not alter splicing; This variant is associated with the following publications: (PMID: 31911672, 37377026)

Dr. Peter K. Rogan Lab, Western University
No classification provided (evidence only). Condition: Nonpapillary renal cell carcinoma. Review status: no classification provided. Collection method: in vitro. Allele origin: not applicable. Functional consequence: retained intron. Not counted in ClinVar's aggregate classification.

Dr. Peter K. Rogan Lab, Western University
No classification provided (evidence only). Condition: Nonpapillary renal cell carcinoma. Review status: no classification provided. Collection method: in vitro. Allele origin: not applicable. Functional consequence: retained intron. Not counted in ClinVar's aggregate classification.

NM_133433.4(NIPBL):c.3856-3C>T

Gene: NIPBL (NIPBL cohesin loading factor; plus strand). Cytogenetic location: 5p13.2.
Variant type: single nucleotide variant.
Coding change: c.3856-3C>T on transcript NM_133433.4 (MANE Select); 3 bases into the intron before coding-DNA position 3856, C replaced by T.
Molecular consequence: intron variant.
Genome position (GRCh38, 1-based): chr5:37,006,354, C>T. VCF-style: chr5-37006354-C-T. GRCh37 (hg19) VCF-style: chr5-37006456-C-T.
Other names: NC_000005.9:g.37006456C>T; c.3856-3C>T (NM_015384.5).
Identifiers: ClinVar variation 1723590 (VCV001723590.4), dbSNP rs2478145437, ClinGen allele CA2578289033.